The following is an entry in ClinVar:

ClinVar aggregate classification (germline): Conflicting classifications of pathogenicity. Review status: criteria provided, conflicting classifications (1 of 4 stars). 2 submissions from 2 submitters: Uncertain significance (1); Likely benign (1). Last evaluated 2025-08-20.

Conditions:
Neuropathy, hereditary sensory and autonomic, type 2A (HSAN2A). Also called: ACROOSTEOLYSIS, GIACCAI TYPE; ACROOSTEOLYSIS, NEUROGENIC; MORVAN DISEASE; NEUROPATHY, CONGENITAL SENSORY; NEUROPATHY, HEREDITARY SENSORY RADICULAR, AUTOSOMAL RECESSIVE; NEUROPATHY, HEREDITARY SENSORY, TYPE IIA. Identifiers: Orphanet 970, MedGen C2752089, MONDO:0024309, OMIM 201300.
Pseudohypoaldosteronism type 2C (PHA2C). Also called: Pseudohypoaldosteronism Type IIC. Identifiers: Orphanet 757, Orphanet 88940, MedGen C1840391, MONDO:0013778, OMIM 614492.

Allele frequency attached by ClinVar (database versions not stated): ExAC 0.00001; gnomAD 0.00001; TOPMed 0.00002; ESP Exome Variant Server 0.00008.
gnomAD v4.1: 2 of 1,611,656 alleles (0.00012%); highest among the groups gnomAD compares: African/African-American, 0.0027%; no homozygotes.

Submissions (2):

Labcorp Genetics (formerly Invitae), Labcorp
Classification: Uncertain significance for Neuropathy, hereditary sensory and autonomic, type 2A; Pseudohypoaldosteronism type 2C. Last evaluated: 2025-08-20. Review status: criteria provided, single submitter. Criteria: Invitae Variant Classification Sherloc (09022015). Collection method: clinical testing. Allele origin: germline.
Comment: This sequence change replaces aspartic acid, which is acidic and polar, with glutamic acid, which is acidic and polar, at codon 915 of the WNK1 protein (p.Asp915Glu). This variant is present in population databases (rs367706591, gnomAD 0.009%). This variant has not been reported in the literature in individuals affected with WNK1-related conditions. ClinVar contains an entry for this variant (Variation ID: 2417072). Invitae Evidence Modeling of protein sequence and biophysical properties (such as structural, functional, and spatial information, amino acid conservation, physicochemical variation, residue mobility, and thermodynamic stability) indicates that this missense variant is not expected to disrupt WNK1 protein function with a negative predictive value of 95%. In summary, the available evidence is currently insufficient to determine the role of this variant in disease. Therefore, it has been classified as a Variant of Uncertain Significance.

Women's Health and Genetics/Laboratory Corporation of America, LabCorp
Classification: Likely benign. Last evaluated: 2024-05-08. Review status: criteria provided, single submitter. Criteria: LabCorp Variant Classification Summary - May 2015. Collection method: clinical testing. Allele origin: germline.

NM_213655.5(WNK1):c.2745C>G (p.Asp915Glu)

Gene: WNK1 (WNK lysine deficient protein kinase 1; plus strand). Cytogenetic location: 12p13.33.
Variant type: single nucleotide variant.
Coding change: c.2745C>G on transcript NM_213655.5 (MANE Plus Clinical); coding-DNA position 2745, C replaced by G.
Protein change: p.Asp915Glu; replaces aspartic acid 915 with glutamic acid.
Molecular consequence: missense variant. On other transcripts: intron variant (2).
Genome position (GRCh38, 1-based): chr12:868,216, C>G. VCF-style: chr12-868216-C-G. GRCh37 (hg19) VCF-style: chr12-977382-C-G.
Other names: c.2490C>G, p.Asp830Glu (NM_001184985.2); c.2140-3049C>G (NM_018979.4, NM_014823.3); short protein forms D830E, D915E.
Identifiers: ClinVar variation 2417072 (VCV002417072.7), dbSNP rs367706591, ClinGen allele CA6382231.
Genomic context (GRCh38, chr12:868,216, plus strand): 5'-TGGAGAGTCATGTGAGATACAGGTCCATCCTATGTTTGAACCATCTCAAGTTTACAGTGA[C>G]TATAGACCTGGACTAGTACTTCCAGAAGAAGCTCACTATTTTATTCCTCAGGAAGCAGTG-3'
Protein context (NP_998820.3, residues 905-925): PMFEPSQVYS[Asp915Glu]YRPGLVLPEE